The following is an entry in ClinVar:

ClinVar aggregate classification (germline): Pathogenic. Review status: criteria provided, multiple submitters, no conflicts (2 of 4 stars). 2 submissions from 2 submitters: Pathogenic (2). Last evaluated 2024-01-24.

Conditions:
Leber congenital amaurosis 5 (LCA5). Also called: Amaurosis congenita of Leber, type 5. Identifiers: Orphanet 65, MedGen C1858301, MONDO:0011473, OMIM 604537.

Submissions (2):

Labcorp Genetics (formerly Invitae), Labcorp
Classification: Pathogenic. Last evaluated: 2024-01-24. Review status: criteria provided, single submitter. Criteria: Invitae Variant Classification Sherloc (09022015). Collection method: clinical testing. Allele origin: germline.
Comment: This sequence change creates a premature translational stop signal (p.Glu457Argfs*14) in the LCA5 gene. While this is not anticipated to result in nonsense mediated decay, it is expected to disrupt the last 241 amino acid(s) of the LCA5 protein. This variant is not present in population databases (gnomAD no frequency). This variant has not been reported in the literature in individuals affected with LCA5-related conditions. ClinVar contains an entry for this variant (Variation ID: 1172715). This variant disrupts a region of the LCA5 protein in which other variant(s) (p.Lys586*) have been determined to be pathogenic (PMID: 23946133, 27624628). This suggests that this is a clinically significant region of the protein, and that variants that disrupt it are likely to be disease-causing. For these reasons, this variant has been classified as Pathogenic.

DBGen Ocular Genomics
Classification: Pathogenic for Leber congenital amaurosis 5. Last evaluated: 2021-05-21. Review status: criteria provided, single submitter. Criteria: ACMG Guidelines, 2015. Collection method: clinical testing. Allele origin: germline. Affected: yes. Observed: 1 variant allele.

Literature cited by the submitters: PubMed 23946133 (cited by Labcorp Genetics (formerly Invitae), Labcorp); PubMed 27624628 (cited by Labcorp Genetics (formerly Invitae), Labcorp).

NM_001122769.3(LCA5):c.1368dup (p.Glu457fs)

Gene: LCA5 (lebercilin LCA5; minus strand). Cytogenetic location: 6q14.1.
Variant type: Duplication.
Coding change: c.1368dup on transcript NM_001122769.3 (MANE Select); coding-DNA position 1368, one base duplicated (A; older notation c.1368dupA).
Protein change: p.Glu457fs; shifts the reading frame from glutamic acid 457.
Molecular consequence: frameshift variant.
Genome position (GRCh38, 1-based): chr6:79,487,730, T duplicated on the plus strand (A on the coding strand, the reverse complement: LCA5 is on the minus strand). VCF-style (leftmost placement, unchanged base first): chr6-79487729-C-CT. GRCh37 (hg19) VCF-style: chr6-80197446-C-CT.
Other names: c.1368dup, p.Glu457fs (NM_181714.4); short protein forms E457fs.
Identifiers: ClinVar variation 1172715 (VCV001172715.10), dbSNP rs2127666004, ClinGen allele CA2499218576.
Genomic context (GRCh38, chr6:79,487,729, plus strand): 5'-CTCTGTCAATTTCATTCAGTTTAGCAAGTAGCATTTCTCTCTTCAGTCTTTCTTCTTCCT[C>CT]TCCTTGCAATTTATCCATATTCTGAATTGGATACATTCCTAGTTGGTACCTTCCAGTTTC-3'